The following is an entry in ClinVar:

NM_001851.6(COL9A1):c.1538C>T (p.Ala513Val)

Gene: COL9A1 (collagen type IX alpha 1 chain; minus strand). Cytogenetic location: 6q13.
Variant type: single nucleotide variant.
Coding change: c.1538C>T on transcript NM_001851.6 (MANE Select); coding-DNA position 1538, C replaced by T.
Protein change: p.Ala513Val; replaces alanine 513 with valine.
Molecular consequence: missense variant. On other transcripts: non-coding transcript variant (1).
Genome position (GRCh38, 1-based): chr6:70,255,356, G>A on the plus strand (C>T on the coding strand, the complement: COL9A1 is on the minus strand). VCF-style: chr6-70255356-G-A. GRCh37 (hg19) VCF-style: chr6-70965059-G-A.
Other names: c.809C>T, p.Ala270Val (NM_001377289.1, NM_001377290.1, NM_078485.4); short protein forms A270V, A513V.
Identifiers: ClinVar variation 1019192 (VCV001019192.7), dbSNP rs1221404677, ClinGen allele CA364677951.
Genomic context (GRCh38, chr6:70,255,356, plus strand): 5'-CTGAAAAGCAGGAGGCTTGGAGTGACTGAATTTAAACTCACTCTATCTCCTTTGGGACCT[G>A]CTTCTCCTGGAGGTCCTCGCTGTCCTTGATCACCCTGTATGAAAATAAAATTTTGTTAAT-3'
Protein context (NP_001842.3, residues 503-523): DQGQRGPPGE[Ala513Val]GPKGDRGAEG

ClinVar aggregate classification (germline): Uncertain significance (1 of 4 stars; one submission).

Allele frequency attached by ClinVar (database versions not stated): gnomAD exomes below 0.00001; TOPMed below 0.00001.
gnomAD v4.1: 1 of 1,614,136 alleles (0.000062%); highest among the groups gnomAD compares: Admixed American, 0.0017%; no homozygotes.

Submission:

Labcorp Genetics (formerly Invitae), Labcorp
Classification: Uncertain significance. Last evaluated: 2023-11-13. Review status: criteria provided, single submitter. Criteria: Invitae Variant Classification Sherloc (09022015). Collection method: clinical testing. Allele origin: germline.
Comment: This sequence change replaces alanine, which is neutral and non-polar, with valine, which is neutral and non-polar, at codon 513 of the COL9A1 protein (p.Ala513Val). This variant is present in population databases (no rsID available, gnomAD 0.003%). This variant has not been reported in the literature in individuals affected with COL9A1-related conditions. ClinVar contains an entry for this variant (Variation ID: 1019192). Advanced modeling of protein sequence and biophysical properties (such as structural, functional, and spatial information, amino acid conservation, physicochemical variation, residue mobility, and thermodynamic stability) performed at Invitae indicates that this missense variant is not expected to disrupt COL9A1 protein function with a negative predictive value of 95%. Algorithms developed to predict the effect of sequence changes on RNA splicing suggest that this variant may disrupt the consensus splice site. In summary, the available evidence is currently insufficient to determine the role of this variant in disease. Therefore, it has been classified as a Variant of Uncertain Significance.